The following is an entry in ClinVar:

NM_006922.4(SCN3A):c.5090A>G (p.Asn1697Ser)

Gene: SCN3A (sodium voltage-gated channel alpha subunit 3; minus strand). Cytogenetic location: 2q24.3.
Variant type: single nucleotide variant.
Coding change: c.5090A>G on transcript NM_006922.4 (MANE Select); coding-DNA position 5090, A replaced by G.
Protein change: p.Asn1697Ser; replaces asparagine 1697 with serine.
Molecular consequence: missense variant.
Genome position (GRCh38, 1-based): chr2:165,091,063, T>C on the plus strand (A>G on the coding strand, the complement: SCN3A is on the minus strand). VCF-style: chr2-165091063-T-C. GRCh37 (hg19) VCF-style: chr2-165947573-T-C.
Other names: c.4943A>G, p.Asn1648Ser (NM_001081676.2, NM_001081677.2); short protein forms N1648S, N1697S.
Identifiers: ClinVar variation 984551 (VCV000984551.4), dbSNP rs1685074140, ClinGen allele CA349017291.

ClinVar aggregate classification (germline): Uncertain significance. Review status: criteria provided, single submitter (1 of 4 stars). 2 submissions from 2 submitters: Uncertain significance (1). 1 of the submissions does not count toward it. Last evaluated 2024-02-15.

Conditions:
Neurodevelopmental abnormality. Identifiers: MedGen C4022737, HP:0012759.

Submissions (2):

Labcorp Genetics (formerly Invitae), Labcorp
Classification: Uncertain significance. Last evaluated: 2024-02-15. Review status: criteria provided, single submitter. Criteria: Invitae Variant Classification Sherloc (09022015). Collection method: clinical testing. Allele origin: germline.
Comment: This sequence change replaces asparagine, which is neutral and polar, with serine, which is neutral and polar, at codon 1697 of the SCN3A protein (p.Asn1697Ser). This variant is not present in population databases (gnomAD no frequency). This variant has not been reported in the literature in individuals affected with SCN3A-related conditions. ClinVar contains an entry for this variant (Variation ID: 984551). Advanced modeling of protein sequence and biophysical properties (such as structural, functional, and spatial information, amino acid conservation, physicochemical variation, residue mobility, and thermodynamic stability) has been performed at Invitae for this missense variant, however the output from this modeling did not meet the statistical confidence thresholds required to predict the impact of this variant on SCN3A protein function. In summary, the available evidence is currently insufficient to determine the role of this variant in disease. Therefore, it has been classified as a Variant of Uncertain Significance.

Department of Genetics, Rouen University Hospital, Normandy Center for Genomic and Personalized Medicine
Classification: Likely benign for Neurodevelopmental abnormality. Last evaluated: 2020-04-03. Review status: no assertion criteria provided. Collection method: clinical testing. Allele origin: paternal. Affected: yes. Not counted in ClinVar's aggregate classification.